The following is an entry in ClinVar:

ClinVar aggregate classification (germline): Uncertain significance. Review status: criteria provided, multiple submitters, no conflicts (2 of 4 stars). 2 submissions from 2 submitters: Uncertain significance (2). Last evaluated 2025-03-24.

Conditions:
Charcot-Marie-Tooth disease axonal type 2O. Also called: CHARCOT-MARIE-TOOTH NEUROPATHY, AXONAL, TYPE 2O; CHARCOT-MARIE-TOOTH DISEASE, AXONAL, AUTOSOMAL DOMINANT, TYPE 2O; Charcot-Marie-Tooth Neuropathy Type 2O; Charcot-Marie-Tooth disease, axonal, type 20. Identifiers: Orphanet 284232, MedGen C3280220, MONDO:0013644, OMIM 614228.

Submissions (2):

Labcorp Genetics (formerly Invitae), Labcorp
Classification: Uncertain significance for Charcot-Marie-Tooth disease axonal type 2O. Last evaluated: 2025-03-24. Review status: criteria provided, single submitter. Criteria: Invitae Variant Classification Sherloc (09022015). Collection method: clinical testing. Allele origin: germline.
Comment: This sequence change replaces alanine, which is neutral and non-polar, with threonine, which is neutral and polar, at codon 651 of the DYNC1H1 protein (p.Ala651Thr). This variant is not present in population databases (gnomAD no frequency). This variant has not been reported in the literature in individuals affected with DYNC1H1-related conditions. ClinVar contains an entry for this variant (Variation ID: 3572841). Invitae Evidence Modeling of protein sequence and biophysical properties (such as structural, functional, and spatial information, amino acid conservation, physicochemical variation, residue mobility, and thermodynamic stability) indicates that this missense variant is expected to disrupt DYNC1H1 protein function with a positive predictive value of 95%. In summary, the available evidence is currently insufficient to determine the role of this variant in disease. Therefore, it has been classified as a Variant of Uncertain Significance.

GeneDx
Classification: Uncertain significance. Last evaluated: 2024-07-10. Review status: criteria provided, single submitter. Criteria: GeneDx Variant Classification Process June 2021. Collection method: clinical testing. Allele origin: germline. Affected: yes.
Comment: Not observed at significant frequency in large population cohorts (gnomAD); In silico analysis supports that this missense variant has a deleterious effect on protein structure/function; Has not been previously published as pathogenic or benign to our knowledge; This variant is associated with the following publications: (PMID: 25512093, 25609763, 26100331)

NM_001376.5(DYNC1H1):c.1951G>A (p.Ala651Thr)

Gene: DYNC1H1 (dynein cytoplasmic 1 heavy chain 1; plus strand). Cytogenetic location: 14q32.31.
Variant type: single nucleotide variant.
Coding change: c.1951G>A on transcript NM_001376.5 (MANE Select); coding-DNA position 1951, G replaced by A.
Protein change: p.Ala651Thr; replaces alanine 651 with threonine.
Molecular consequence: missense variant.
Genome position (GRCh38, 1-based): chr14:101,986,176, G>A. VCF-style: chr14-101986176-G-A. GRCh37 (hg19) VCF-style: chr14-102452513-G-A.
Other names: short protein forms A651T.
Identifiers: ClinVar variation 3572841 (VCV003572841.2).